The following is an entry in ClinVar:

ClinVar aggregate classification (germline): Benign. Review status: criteria provided, multiple submitters, no conflicts (2 of 4 stars). 3 submissions from 3 submitters: Benign (3). Last evaluated 2026-08-01.

Allele frequency attached by ClinVar (database versions not stated): gnomAD exomes 0.00107 and 0.00246; ESP Exome Variant Server 0.00215; gnomAD 0.00242 and 0.00275; TOPMed 0.00286; ExAC 0.00287; 1000 Genomes Project 0.00459; 1000 Genomes Project 30x 0.00515.
gnomAD v4.1: 2,041 of 1,614,106 alleles (0.13%); highest among the groups gnomAD compares: South Asian, 1.4%; 21 homozygotes.

Submissions (3):

CeGaT Center for Human Genetics Tuebingen
Classification: Benign. Last evaluated: 2026-08-01. Review status: criteria provided, single submitter. Criteria: CeGaT Center For Human Genetics Tuebingen Variant Classification Criteria Version 2. Collection method: clinical testing. Allele origin: germline. Affected: yes. Observed: 1 variant allele.
Comment: FRMD4A: BP4, BS1, BS2

Labcorp Genetics (formerly Invitae), Labcorp
Classification: Benign. Last evaluated: 2019-12-31. Review status: criteria provided, single submitter. Criteria: Invitae Variant Classification Sherloc (09022015). Collection method: clinical testing. Allele origin: germline.

Breakthrough Genomics
Classification: Benign. Review status: criteria provided, single submitter. Criteria: ACMG Guidelines, 2015. Collection method: not provided. Allele origin: germline. Inheritance: Autosomal recessive inheritance. Affected: yes.

NM_018027.5(FRMD4A):c.1779G>A (p.Gln593=)

Gene: FRMD4A (FERM domain containing 4A; minus strand). Cytogenetic location: 10p13.
Variant type: single nucleotide variant.
Coding change: c.1779G>A on transcript NM_018027.5 (MANE Select); coding-DNA position 1779, G replaced by A.
Protein change: p.Gln593=; no amino-acid change (glutamine 593 retained).
Molecular consequence: synonymous variant.
Genome position (GRCh38, 1-based): chr10:13,660,435, C>T on the plus strand (G>A on the coding strand, the complement: FRMD4A is on the minus strand). VCF-style: chr10-13660435-C-T. GRCh37 (hg19) VCF-style: chr10-13702435-C-T.
Other names: c.1827G>A, p.Gln609= (NM_001318336.2); c.1878G>A, p.Gln626= (NM_001318337.2); c.852G>A, p.Gln284= (NM_001318338.2).
Identifiers: ClinVar variation 787898 (VCV000787898.6), dbSNP rs138059200, ClinGen allele CA5414233.